The following is an entry in ClinVar:

ClinVar aggregate classification (germline): Likely pathogenic (1 of 4 stars; one submission).

Conditions:
Hereditary cancer-predisposing syndrome. Also called: Neoplastic Syndromes, Hereditary; Tumor predisposition; Hereditary neoplastic syndrome; Hereditary Cancer Syndrome. Identifiers: Orphanet 140162, MedGen C0027672, MeSH D009386, MONDO:0015356.

Submission:

Ambry Genetics
Classification: Likely pathogenic for Hereditary cancer-predisposing syndrome. Last evaluated: 2025-09-03. Review status: criteria provided, single submitter. Criteria: Ambry Variant Classification Scheme 2023. Collection method: clinical testing. Allele origin: germline.
Comment: The p.E122G variant (also known as c.365A>G), located in coding exon 2 of the RAD51C gene, results from an A to G substitution at nucleotide position 365. The glutamic acid at codon 122 is replaced by glycine, an amino acid with similar properties. This amino acid position is highly conserved in available vertebrate species. In addition, this alteration is predicted to be deleterious by in silico analysis. In a homology-directed DNA repair (HDR) assay, this alteration showed a functionally abnormal read-out (Olvera-Le&oacute;n R et al Cell 2024 Oct;187(20):5719-5734.e19). This variant is considered to be rare based on population cohorts in the Genome Aggregation Database (gnomAD). Based on the majority of available evidence to date, this variant is likely to be pathogenic.

Literature cited by the submitters: PubMed 39299233.

NM_058216.3(RAD51C):c.365A>G (p.Glu122Gly)

Gene: RAD51C (RAD51 paralog C; plus strand). Cytogenetic location: 17q22.
Variant type: single nucleotide variant.
Coding change: c.365A>G on transcript NM_058216.3 (MANE Select); coding-DNA position 365, A replaced by G.
Protein change: p.Glu122Gly; replaces glutamic acid 122 with glycine.
Molecular consequence: missense variant. On other transcripts: non-coding transcript variant (2).
Genome position (GRCh38, 1-based): chr17:58,695,150, A>G. VCF-style: chr17-58695150-A-G. GRCh37 (hg19) VCF-style: chr17-56772511-A-G.
Other names: c.365A>G, p.Glu122Gly (NM_002876.4, NM_058217.1); short protein forms E122G.
Identifiers: ClinVar variation 3228953 (VCV003228953.2), dbSNP rs2509276003, ClinGen allele CA400341747.
Genomic context (GRCh38, chr17:58,695,150, plus strand): 5'-CCTTCTGTTCAGCACTAGATGATATTCTTGGGGGTGGAGTGCCCTTAATGAAAACAACAG[A>G]AATTTGTGGTGCACCAGGTGTTGGAAAAACACAATTATGGTAAAATAAAGTGTTCTCCTT-3'
Protein context (NP_478123.1, residues 112-132): GGGVPLMKTT[Glu122Gly]ICGAPGVGKT